The following is an entry in ClinVar:

ClinVar aggregate classification (germline): Uncertain significance. Review status: criteria provided, multiple submitters, no conflicts (2 of 4 stars). 3 submissions from 3 submitters: Uncertain significance (3). Last evaluated 2025-05-13.

Conditions:
Inborn genetic diseases. Identifiers: MedGen C0950123, MeSH D030342.

Allele frequency attached by ClinVar (database versions not stated): gnomAD 0.00002; gnomAD exomes 0.00002 and 0.00009; TOPMed 0.00003.
gnomAD v4.1: 133 of 1,613,318 alleles (0.0082%); highest among the groups gnomAD compares: Non-Finnish European, 0.011%; no homozygotes.

Submissions (3):

Women's Health and Genetics/Laboratory Corporation of America, LabCorp
Classification: Uncertain significance. Last evaluated: 2025-05-13. Review status: criteria provided, single submitter. Criteria: LabCorp Variant Classification Summary - May 2015. Collection method: clinical testing. Allele origin: germline.
Comment: Variant summary: CYP27B1 c.547G>C (p.Val183Leu) results in a conservative amino acid change in the encoded protein sequence. Algorithms developed to predict the effect of missense changes on protein structure and function are either unavailable or do not agree on the potential impact of this missense change. The variant allele was found at a frequency of 1.6e-05 in 244814 control chromosomes. The available data on variant occurrences in the general population are insufficient to allow any conclusion about variant significance. To our knowledge, no occurrence of c.547G>C in individuals affected with Vitamin D-dependent rickets and no experimental evidence demonstrating its impact on protein function have been reported. ClinVar contains an entry for this variant (Variation ID: 1345874). Based on the evidence outlined above, the variant was classified as uncertain significance.

Labcorp Genetics (formerly Invitae), Labcorp
Classification: Uncertain significance. Last evaluated: 2021-12-03. Review status: criteria provided, single submitter. Criteria: Invitae Variant Classification Sherloc (09022015). Collection method: clinical testing. Allele origin: germline.
Comment: This sequence change replaces valine, which is neutral and non-polar, with leucine, which is neutral and non-polar, at codon 183 of the CYP27B1 protein (p.Val183Leu). This variant is present in population databases (no rsID available, gnomAD 0.004%). This variant has not been reported in the literature in individuals affected with CYP27B1-related conditions. Algorithms developed to predict the effect of missense changes on protein structure and function (SIFT, PolyPhen-2, Align-GVGD) all suggest that this variant is likely to be disruptive. In summary, the available evidence is currently insufficient to determine the role of this variant in disease. Therefore, it has been classified as a Variant of Uncertain Significance.

Ambry Genetics
Classification: Uncertain significance for Inborn genetic diseases. Last evaluated: 2021-05-01. Review status: criteria provided, single submitter. Criteria: Ambry Variant Classification Scheme 2023. Collection method: clinical testing. Allele origin: germline.

NM_000785.4(CYP27B1):c.547G>C (p.Val183Leu)

Gene: CYP27B1 (cytochrome P450 family 27 subfamily B member 1; minus strand). Cytogenetic location: 12q14.1.
Variant type: single nucleotide variant.
Coding change: c.547G>C on transcript NM_000785.4 (MANE Select); coding-DNA position 547, G replaced by C.
Protein change: p.Val183Leu; replaces valine 183 with leucine.
Molecular consequence: missense variant.
Genome position (GRCh38, 1-based): chr12:57,765,339, C>G on the plus strand (G>C on the coding strand, the complement: CYP27B1 is on the minus strand). VCF-style: chr12-57765339-C-G. GRCh37 (hg19) VCF-style: chr12-58159122-C-G.
Other names: c.547G>C (NM_000785.3); short protein forms V183L.
Identifiers: ClinVar variation 1345874 (VCV001345874.5), dbSNP rs893285574, ClinGen allele CA237815048.